The following is an entry in ClinVar:

ClinVar aggregate classification (germline): Likely pathogenic (1 of 4 stars; one submission).

Conditions:
Peroxisome biogenesis disorder 10A (Zellweger). Also called: Peroxisome biogenesis disorder 10A. Identifiers: Orphanet 912, MedGen C3553999, MONDO:0013948, OMIM 614882.

Submission:

3billion
Classification: Likely pathogenic for Peroxisome biogenesis disorder 10A (Zellweger). Last evaluated: 2025-05-29. Review status: criteria provided, single submitter. Criteria: ACMG Guidelines, 2015. Collection method: clinical testing. Allele origin: germline. Affected: yes.
Comment: The variant is not observed in the gnomAD v4.1.0 dataset. Predicted Consequence/Location: Canonical splice site: predicted to alter splicing and result in a loss or disruption of normal protein function. Multiple pathogenic loss-of-function variants are reported downstream of the variant. In silico tools predict the variant to alter splicing and produce an abnormal transcript [SpliceAI: 1.00 (spliceogenicity >=0.2, non-spliceogenicity <0.1)]. Therefore, this variant is classified as Likely pathogenic according to the recommendation of ACMG/AMP guideline.

NM_003630.3(PEX3):c.456+1G>A

Gene: PEX3 (peroxisomal biogenesis factor 3; plus strand). Cytogenetic location: 6q24.2.
Variant type: single nucleotide variant.
Coding change: c.456+1G>A on transcript NM_003630.3 (MANE Select); the canonical splice donor site of the intron after coding-DNA position 456, G replaced by A.
Molecular consequence: splice donor variant.
Genome position (GRCh38, 1-based): chr6:143,471,086, G>A. VCF-style: chr6-143471086-G-A. GRCh37 (hg19) VCF-style: chr6-143792223-G-A.
Identifiers: ClinVar variation 4854045 (VCV004854045.1).